The following is an entry in ClinVar:

NM_001271938.2(MEGF8):c.4028C>T (p.Ala1343Val)

Gene: MEGF8 (multiple EGF like domains 8; plus strand). Cytogenetic location: 19q13.2.
Variant type: single nucleotide variant.
Coding change: c.4028C>T on transcript NM_001271938.2 (MANE Select); coding-DNA position 4028, C replaced by T.
Protein change: p.Ala1343Val; replaces alanine 1343 with valine.
Molecular consequence: missense variant.
Genome position (GRCh38, 1-based): chr19:42,354,604, C>T. VCF-style: chr19-42354604-C-T. GRCh37 (hg19) VCF-style: chr19-42858756-C-T.
Other names: c.3827C>T, p.Ala1276Val (NM_001410.3); short protein forms A1276V, A1343V.
Identifiers: ClinVar variation 1417719 (VCV001417719.4), dbSNP rs746330794, ClinGen allele CA9475155.

ClinVar aggregate classification (germline): Uncertain significance (1 of 4 stars; one submission).

Conditions:
MEGF8-related Carpenter syndrome. Also called: Carpenter syndrome 2. Identifiers: Orphanet 65759, MedGen C3554247, MONDO:0013998, OMIM 614976.

Allele frequency attached by ClinVar (database versions not stated): gnomAD exomes 0.00002; ExAC 0.00003; gnomAD 0.00005.
gnomAD v4.1: 25 of 1,612,518 alleles (0.0016%); highest among the groups gnomAD compares: South Asian, 0.0099%; 1 homozygote.

Submission:

Labcorp Genetics (formerly Invitae), Labcorp
Classification: Uncertain significance for MEGF8-related Carpenter syndrome. Last evaluated: 2021-12-01. Review status: criteria provided, single submitter. Criteria: Invitae Variant Classification Sherloc (09022015). Collection method: clinical testing. Allele origin: germline.
Comment: In summary, the available evidence is currently insufficient to determine the role of this variant in disease. Therefore, it has been classified as a Variant of Uncertain Significance. Algorithms developed to predict the effect of missense changes on protein structure and function (SIFT, PolyPhen-2, Align-GVGD) all suggest that this variant is likely to be tolerated. This variant has not been reported in the literature in individuals affected with MEGF8-related conditions. This variant is present in population databases (rs746330794, gnomAD 0.01%), including at least one homozygous and/or hemizygous individual. This sequence change replaces alanine, which is neutral and non-polar, with valine, which is neutral and non-polar, at codon 1276 of the MEGF8 protein (p.Ala1276Val).